The following is an entry in ClinVar:

NM_005450.6(NOG):c.*5C>T

Gene: NOG (noggin; plus strand). Cytogenetic location: 17q22.
Variant type: single nucleotide variant.
Coding change: c.*5C>T on transcript NM_005450.6 (MANE Select); 5 bases downstream of the stop codon, C replaced by T.
Molecular consequence: 3 prime UTR variant.
Genome position (GRCh38, 1-based): chr17:56,594,927, C>T. VCF-style: chr17-56594927-C-T. GRCh37 (hg19) VCF-style: chr17-54672288-C-T.
Identifiers: ClinVar variation 4980366 (VCV004980366.1).

ClinVar aggregate classification (germline): Likely benign (1 of 4 stars; one submission).

Conditions:
NOG-related disorder. Also called: NOG-related disorders; NOG-related condition.

Submission:

PreventionGenetics, part of Exact Sciences
Classification: Likely benign for NOG-related condition. Last evaluated: 2025-04-25. Review status: criteria provided, single submitter. Criteria: ACMG Guidelines, 2015. Collection method: clinical testing. Allele origin: germline.
Comment: This variant is classified as likely benign based on ACMG/AMP sequence variant interpretation guidelines (Richards et al. 2015 PMID: 25741868, with internal and published modifications).